The following is an entry in ClinVar:

NM_003470.3(USP7):c.241C>G (p.Leu81Val)

Gene: USP7 (ubiquitin specific peptidase 7; minus strand). Cytogenetic location: 16p13.2.
Variant type: single nucleotide variant.
Coding change: c.241C>G on transcript NM_003470.3 (MANE Select); coding-DNA position 241, C replaced by G.
Protein change: p.Leu81Val; replaces leucine 81 with valine.
Molecular consequence: missense variant. On other transcripts: 5 prime UTR variant (1), non-coding transcript variant (1).
Genome position (GRCh38, 1-based): chr16:8,923,357, G>C on the plus strand (C>G on the coding strand, the complement: USP7 is on the minus strand). VCF-style: chr16-8923357-G-C. GRCh37 (hg19) VCF-style: chr16-9017214-G-C.
Other names: c.193C>G, p.Leu65Val (NM_001286457.2); c.-57C>G (NM_001286458.2); c.67C>G, p.Leu23Val (NM_001321858.2); short protein forms L23V, L65V, L81V.
Identifiers: ClinVar variation 4076904 (VCV004076904.2).

ClinVar aggregate classification (germline): Uncertain significance. Review status: criteria provided, multiple submitters, no conflicts (2 of 4 stars). 2 submissions from 2 submitters: Uncertain significance (2). Last evaluated 2026-01-09.

Submissions (2):

Labcorp Genetics (formerly Invitae), Labcorp
Classification: Uncertain significance. Last evaluated: 2026-01-09. Review status: criteria provided, single submitter. Criteria: Invitae Variant Classification Sherloc (09022015). Collection method: clinical testing. Allele origin: germline.
Comment: This sequence change replaces leucine, which is neutral and non-polar, with valine, which is neutral and non-polar, at codon 81 of the USP7 protein (p.Leu81Val). This variant is not present in population databases (gnomAD no frequency). This variant has not been reported in the literature in individuals affected with USP7-related conditions. ClinVar contains an entry for this variant (Variation ID: 4076904). An algorithm developed to predict the effect of missense changes on protein structure and function (PolyPhen-2) suggests that this variant is likely to be tolerated. Algorithms developed to predict the effect of sequence changes on RNA splicing suggest that this variant may create or strengthen a splice site. In summary, the available evidence is currently insufficient to determine the role of this variant in disease. Therefore, it has been classified as a Variant of Uncertain Significance.

GeneDx
Classification: Uncertain significance. Last evaluated: 2025-02-20. Review status: criteria provided, single submitter. Criteria: GeneDx Variant Classification Process June 2021. Collection method: clinical testing. Allele origin: germline. Affected: yes.
Comment: Not observed at significant frequency in large population cohorts (gnomAD); In silico analysis indicates that this missense variant does not alter protein structure/function; In silico analysis supports a deleterious effect on splicing; Has not been previously published as pathogenic or benign to our knowledge